The following is an entry in ClinVar:

NM_007289.4(MME):c.695A>G (p.Tyr232Cys)

Gene: MME (membrane metalloendopeptidase; plus strand). Cytogenetic location: 3q25.2.
Variant type: single nucleotide variant.
Coding change: c.695A>G on transcript NM_007289.4 (MANE Select); coding-DNA position 695, A replaced by G.
Protein change: p.Tyr232Cys; replaces tyrosine 232 with cysteine.
Molecular consequence: missense variant.
Genome position (GRCh38, 1-based): chr3:155,118,786, A>G. VCF-style: chr3-155118786-A-G. GRCh37 (hg19) VCF-style: chr3-154836575-A-G.
Other names: c.695A>G, p.Tyr232Cys (NM_000902.5, NM_001354642.2, NM_001354643.1 and 2 more transcripts); short protein forms Y232C.
Identifiers: ClinVar variation 1329740 (VCV001329740.2), dbSNP rs189540914, ClinGen allele CA2675241.

ClinVar aggregate classification (germline): Uncertain significance (1 of 4 stars; one submission).

Allele frequency attached by ClinVar (database versions not stated): gnomAD exomes below 0.00001 and 0.00001; TOPMed below 0.00001; gnomAD 0.00001; ExAC 0.00002; 1000 Genomes Project 0.00020; 1000 Genomes Project 30x 0.00031.
gnomAD v4.1: 6 of 1,602,474 alleles (0.00037%); highest among the groups gnomAD compares: Admixed American, 0.0017%; no homozygotes.

Submission:

GeneDx
Classification: Uncertain significance. Last evaluated: 2021-06-23. Review status: criteria provided, single submitter. Criteria: GeneDx Variant Classification Process June 2021. Collection method: clinical testing. Allele origin: germline. Affected: yes.
Comment: Not observed at significant frequency in large population cohorts (Lek et al., 2016); In silico analysis supports that this missense variant has a deleterious effect on protein structure/function; Has not been previously published as pathogenic or benign to our knowledge; This variant is associated with the following publications: (PMID: 27535533)